The following is an entry in ClinVar:

ClinVar aggregate classification (germline): Uncertain significance (1 of 4 stars; one submission).

Submission:

Labcorp Genetics (formerly Invitae), Labcorp
Classification: Uncertain significance. Last evaluated: 2021-08-02. Review status: criteria provided, single submitter. Criteria: Invitae Variant Classification Sherloc (09022015). Collection method: clinical testing. Allele origin: germline.
Comment: In summary, the available evidence is currently insufficient to determine the role of this variant in disease. Therefore, it has been classified as a Variant of Uncertain Significance. Advanced modeling of protein sequence and biophysical properties (such as structural, functional, and spatial information, amino acid conservation, physicochemical variation, residue mobility, and thermodynamic stability) performed at Invitae indicates that this missense variant is not expected to disrupt PRKN protein function. This variant has not been reported in the literature in individuals affected with PRKN-related conditions. This variant is not present in population databases (ExAC no frequency). This sequence change replaces asparagine with histidine at codon 313 of the PRKN protein (p.Asn313His). The asparagine residue is weakly conserved and there is a small physicochemical difference between asparagine and histidine.

NM_004562.3(PRKN):c.937A>C (p.Asn313His)

Gene: PRKN (parkin RBR E3 ubiquitin protein ligase; minus strand). Cytogenetic location: 6q26.
Variant type: single nucleotide variant.
Coding change: c.937A>C on transcript NM_004562.3 (MANE Select); coding-DNA position 937, A replaced by C.
Protein change: p.Asn313His; replaces asparagine 313 with histidine.
Molecular consequence: missense variant.
Genome position (GRCh38, 1-based): chr6:161,549,000, T>G on the plus strand (A>C on the coding strand, the complement: PRKN is on the minus strand). VCF-style: chr6-161549000-T-G. GRCh37 (hg19) VCF-style: chr6-161970032-T-G.
Other names: c.853A>C, p.Asn285His (NM_013987.3); c.490A>C, p.Asn164His (NM_013988.3); short protein forms N164H, N313H, N285H.
Identifiers: ClinVar variation 1448594 (VCV001448594.6), dbSNP rs1583215669, ClinGen allele CA366460599.